The following is an entry in ClinVar:

ClinVar aggregate classification (germline): Uncertain significance (1 of 4 stars; one submission).

Submission:

Ambry Genetics
Classification: Uncertain significance. Last evaluated: 2025-06-22. Review status: criteria provided, single submitter. Criteria: Ambry Variant Classification Scheme 2023. Collection method: clinical testing. Allele origin: germline.
Comment: The p.K619E variant (also known as c.1855A>G), located in coding exon 12 of the RINT1 gene, results from an A to G substitution at nucleotide position 1855. The lysine at codon 619 is replaced by glutamic acid, an amino acid with similar properties. This amino acid position is conserved. In addition, the in silico prediction for this alteration is inconclusive. Based on the available evidence, the clinical significance of this variant remains unclear.

NM_021930.6(RINT1):c.1855A>G (p.Lys619Glu)

Gene: RINT1 (RAD50 interactor 1; plus strand). Cytogenetic location: 7q22.3.
Variant type: single nucleotide variant.
Coding change: c.1855A>G on transcript NM_021930.6 (MANE Select); coding-DNA position 1855, A replaced by G.
Protein change: p.Lys619Glu; replaces lysine 619 with glutamic acid.
Molecular consequence: missense variant. On other transcripts: non-coding transcript variant (1).
Genome position (GRCh38, 1-based): chr7:105,563,916, A>G. VCF-style: chr7-105563916-A-G. GRCh37 (hg19) VCF-style: chr7-105204363-A-G.
Other names: c.1621A>G, p.Lys541Glu (NM_001346599.2); c.832A>G, p.Lys278Glu (NM_001346600.2, NM_001346603.2); c.931A>G, p.Lys311Glu (NM_001346601.2); short protein forms K311E, K278E, K541E, K619E.
Identifiers: ClinVar variation 4154599 (VCV004154599.1).
Genomic context (GRCh38, chr7:105,563,916, plus strand): 5'-TTAGAACGTTTAAAGCATGATATGTTGACCCGTCAAGTAGACCACGTTTTTAGAGAAGTT[A>G]AAGATGCTGCAAAATTGTATAAAAAAGAAAGGTATGTCCTCTATGTAAGTCAGCTCTTAA-3'
Protein context (NP_068749.3, residues 609-629): RQVDHVFREV[Lys619Glu]DAAKLYKKER